The following is an entry in ClinVar:

ClinVar aggregate classification (germline): Benign (0 of 4 stars; one submission).

Conditions:
DAAM2-related disorder. Also called: DAAM2-related condition.

Allele frequency attached by ClinVar (database versions not stated): ESP Exome Variant Server 0.00041; gnomAD 0.00074; 1000 Genomes Project 30x 0.00156; 1000 Genomes Project 0.00200; ExAC 0.00286.
gnomAD v4.1: 1,799 of 1,610,068 alleles (0.11%); highest among the groups gnomAD compares: South Asian, 1.4%; 24 homozygotes.

Submissions (6):

PreventionGenetics, part of Exact Sciences
Classification: Benign for DAAM2-related condition. Last evaluated: 2019-04-08. Review status: no assertion criteria provided. Collection method: clinical testing. Allele origin: germline.
Comment: This variant is classified as benign based on ACMG/AMP sequence variant interpretation guidelines (Richards et al. 2015 PMID: 25741868, with internal and published modifications).

Dr. Peter K. Rogan Lab, Western University
No classification provided (evidence only). Condition: Clear cell carcinoma of kidney. Review status: no classification provided. Collection method: in vitro. Allele origin: not applicable. Functional consequence: skipped exon. Not counted in ClinVar's aggregate classification.

Dr. Peter K. Rogan Lab, Western University
No classification provided (evidence only). Condition: Nonpapillary renal cell carcinoma. Review status: no classification provided. Collection method: in vitro. Allele origin: not applicable. Functional consequence: retained intron. Not counted in ClinVar's aggregate classification.

Dr. Peter K. Rogan Lab, Western University
No classification provided (evidence only). Condition: Ovarian serous cystadenocarcinoma. Review status: no classification provided. Collection method: in vitro. Allele origin: not applicable. Functional consequence: retained intron. Not counted in ClinVar's aggregate classification.

Dr. Peter K. Rogan Lab, Western University
No classification provided (evidence only). Condition: Ovarian serous cystadenocarcinoma. Review status: no classification provided. Collection method: in vitro. Allele origin: not applicable. Functional consequence: retained intron. Not counted in ClinVar's aggregate classification.

Dr. Peter K. Rogan Lab, Western University
No classification provided (evidence only). Condition: Ovarian serous cystadenocarcinoma. Review status: no classification provided. Collection method: in vitro. Allele origin: not applicable. Functional consequence: retained intron. Not counted in ClinVar's aggregate classification.

NM_001201427.2(DAAM2):c.2795A>G (p.Asn932Ser)

Gene: DAAM2 (dishevelled associated activator of morphogenesis 2; plus strand). Cytogenetic location: 6p21.2.
Variant type: single nucleotide variant.
Coding change: c.2795A>G on transcript NM_001201427.2 (MANE Select); coding-DNA position 2795, A replaced by G.
Protein change: p.Asn932Ser; replaces asparagine 932 with serine.
Molecular consequence: missense variant.
Genome position (GRCh38, 1-based): chr6:39,900,192, A>G. VCF-style: chr6-39900192-A-G. GRCh37 (hg19) VCF-style: chr6-39867968-A-G.
Other names: NC_000006.11:g.39867968A>G; c.2792A>G, p.Asn931Ser (NM_015345.4); short protein forms N931S, N932S.
Identifiers: ClinVar variation 3044549 (VCV003044549.3), dbSNP rs201309255, ClinGen allele CA3795405.
Genomic context (GRCh38, chr6:39,900,192, plus strand): 5'-TCATGAGCGACTTCATCACGGTGTCCAGCTTCAGCTTCTCCGAGCTGGAGGACCAGCTAA[A>G]TGAGGCCAGGGACAAGGTAAGGGTGCCCCAACCCCCACTGCTTGCCAACCCAGCCTTATC-3'
Protein context (NP_001188356.1, residues 922-942): FSFSELEDQL[Asn932Ser]EARDKFAKAL